The following is an entry in ClinVar:

NM_004100.5(EYA4):c.1802T>C (p.Ile601Thr)

Genes: EYA4 (EYA transcriptional coactivator and phosphatase 4; plus strand), TARID (TCF21 antisense RNA inducing promoter demethylation; minus strand). Cytogenetic location: 6q23.2.
Variant type: single nucleotide variant.
Coding change: c.1802T>C on transcript NM_004100.5 (MANE Select); coding-DNA position 1802, T replaced by C.
Protein change: p.Ile601Thr; replaces isoleucine 601 with threonine.
Molecular consequence: missense variant. On other transcripts: intron variant (3).
Genome position (GRCh38, 1-based): chr6:133,525,217, T>C. VCF-style: chr6-133525217-T-C. GRCh37 (hg19) VCF-style: chr6-133846355-T-C.
Other names: c.1820T>C, p.Ile607Thr (NM_001301013.2); c.1658T>C, p.Ile553Thr (NM_001370459.1); c.1733T>C, p.Ile578Thr (NM_172103.4); c.1839+102T>C (NM_172105.4); c.1770+102T>C (NM_001370458.1); c.1677+102T>C (NM_001301012.2); short protein forms I601T, I553T, I578T, I607T.
Identifiers: ClinVar variation 3001469 (VCV003001469.3), dbSNP rs2535525539, ClinGen allele CA365700805.

ClinVar aggregate classification (germline): Uncertain significance (1 of 4 stars; one submission).

Conditions:
Dilated cardiomyopathy 1J (CMD1J). Also called: CARDIOMYOPATHY, DILATED, WITH SENSORINEURAL HEARING LOSS, AUTOSOMAL DOMINANT. Identifiers: Orphanet 217622, MedGen C1854368, MONDO:0011541, OMIM 605362.

Allele frequency attached by ClinVar (database versions not stated): gnomAD exomes below 0.00001.
gnomAD v4.1: 1 of 1,613,712 alleles (0.000062%); highest among the groups gnomAD compares: Non-Finnish European, 0.000085%; no homozygotes.

Submission:

Labcorp Genetics (formerly Invitae), Labcorp
Classification: Uncertain significance for Dilated cardiomyopathy 1J. Last evaluated: 2022-11-15. Review status: criteria provided, single submitter. Criteria: Invitae Variant Classification Sherloc (09022015). Collection method: clinical testing. Allele origin: germline.
Comment: In summary, the available evidence is currently insufficient to determine the role of this variant in disease. Therefore, it has been classified as a Variant of Uncertain Significance. Advanced modeling of protein sequence and biophysical properties (such as structural, functional, and spatial information, amino acid conservation, physicochemical variation, residue mobility, and thermodynamic stability) performed at Invitae indicates that this missense variant is not expected to disrupt EYA4 protein function. This variant has not been reported in the literature in individuals affected with EYA4-related conditions. This variant is not present in population databases (gnomAD no frequency). This sequence change replaces isoleucine, which is neutral and non-polar, with threonine, which is neutral and polar, at codon 601 of the EYA4 protein (p.Ile601Thr).